The following is an entry in ClinVar:

ClinVar aggregate classification (germline): Likely benign (0 of 4 stars; one submission).

Conditions:
KSR2-related disorder. Also called: KSR2-related condition.

Allele frequency attached by ClinVar (database versions not stated): gnomAD 0.00001.
gnomAD v4.1: 44 of 1,613,214 alleles (0.0027%); highest among the groups gnomAD compares: South Asian, 0.011%; no homozygotes.

Submission:

PreventionGenetics, part of Exact Sciences
Classification: Likely benign for KSR2-related condition. Last evaluated: 2023-05-17. Review status: no assertion criteria provided. Collection method: clinical testing. Allele origin: germline.
Comment: This variant is classified as likely benign based on ACMG/AMP sequence variant interpretation guidelines (Richards et al. 2015 PMID: 25741868, with internal and published modifications).

NM_173598.6(KSR2):c.1746G>A (p.Pro582=)

Gene: KSR2 (kinase suppressor of ras 2; minus strand). Cytogenetic location: 12q24.22.
Variant type: single nucleotide variant.
Coding change: c.1746G>A on transcript NM_173598.6 (MANE Select); coding-DNA position 1746, G replaced by A.
Protein change: p.Pro582=; no amino-acid change (proline 582 retained).
Molecular consequence: synonymous variant.
Genome position (GRCh38, 1-based): chr12:117,530,997, C>T on the plus strand (G>A on the coding strand, the complement: KSR2 is on the minus strand). VCF-style: chr12-117530997-C-T. GRCh37 (hg19) VCF-style: chr12-117968802-C-T.
Identifiers: ClinVar variation 3040593 (VCV003040593.2), dbSNP rs746838223, ClinGen allele CA6815919.